The following is an entry in ClinVar:

NM_013296.5(GPSM2):c.186C>T (p.Ser62=)

Gene: GPSM2 (G protein signaling modulator 2; plus strand). Cytogenetic location: 1p13.3.
Variant type: single nucleotide variant.
Coding change: c.186C>T on transcript NM_013296.5 (MANE Select); coding-DNA position 186, C replaced by T.
Protein change: p.Ser62=; no amino-acid change (serine 62 retained).
Molecular consequence: synonymous variant.
Genome position (GRCh38, 1-based): chr1:108,896,993, C>T. VCF-style: chr1-108896993-C-T. GRCh37 (hg19) VCF-style: chr1-109439615-C-T.
Other names: c.186C>T, p.Ser62= (NM_001321038.2, NM_001321039.3).
Identifiers: ClinVar variation 179453 (VCV000179453.39), dbSNP rs199575734, ClinGen allele CA184446.
Genomic context (GRCh38, chr1:108,896,993, plus strand): 5'-TGGCGTGTCATTCTTTGAAGCTGCAGTTCAAGTTGGAACTGAAGACCTAAAAACACTTAG[C>T]GCTATTTACAGCCAGTTGGGCAATGCTTATTTCTATTTGCATGATTATGCCAAAGCATTA-3'
Protein context (NP_037428.3, residues 52-72): QVGTEDLKTL[Ser62=]AIYSQLGNAY

ClinVar aggregate classification (germline): Conflicting classifications of pathogenicity. Review status: criteria provided, conflicting classifications (1 of 4 stars). 6 submissions from 6 submitters: Uncertain significance (1); Benign (1); Likely benign (4). Last evaluated 2025-09-03.

Conditions:
GPSM2-related disorder. Also called: GPSM2-related condition; GPSM2-related disorders.
Chudley-McCullough syndrome (CMCS). Also called: DEAFNESS, SENSORINEURAL, WITH PARTIAL AGENESIS OF THE CORPUS CALLOSUM AND ARACHNOID CYSTS; Deafness, autosomal recessive 82. Identifiers: Orphanet 314597, MedGen C1858695, MONDO:0011411, OMIM 604213.

Allele frequency attached by ClinVar (database versions not stated): gnomAD 0.00001 and 0.00012; TOPMed 0.00004; gnomAD exomes 0.00038; ExAC 0.00040; 1000 Genomes Project 30x 0.00094; 1000 Genomes Project 0.00100.
gnomAD v4.1: 338 of 1,613,760 alleles (0.021%); highest among the groups gnomAD compares: South Asian, 0.32%; 4 homozygotes.

Submissions (6):

PreventionGenetics, part of Exact Sciences
Classification: Likely benign for GPSM2-related condition. Last evaluated: 2025-09-03. Review status: criteria provided, single submitter. Criteria: ACMG Guidelines, 2015. Collection method: clinical testing. Allele origin: germline.
Comment: This variant is classified as likely benign based on ACMG/AMP sequence variant interpretation guidelines (Richards et al. 2015 PMID: 25741868, with internal and published modifications).

CeGaT Center for Human Genetics Tuebingen
Classification: Likely benign. Last evaluated: 2024-03-01. Review status: criteria provided, single submitter. Criteria: CeGaT Center For Human Genetics Tuebingen Variant Classification Criteria Version 2. Collection method: clinical testing. Allele origin: germline. Affected: yes. Observed: 1 variant allele.
Comment: GPSM2: BP4, BP7

Labcorp Genetics (formerly Invitae), Labcorp
Classification: Benign. Last evaluated: 2023-09-25. Review status: criteria provided, single submitter. Criteria: Invitae Variant Classification Sherloc (09022015). Collection method: clinical testing. Allele origin: germline.

GeneDx
Classification: Likely benign. Last evaluated: 2021-02-23. Review status: criteria provided, single submitter. Criteria: GeneDx Variant Classification Process June 2021. Collection method: clinical testing. Allele origin: germline. Affected: yes.

Illumina Laboratory Services, Illumina
Classification: Uncertain significance for Chudley-McCullough syndrome. Last evaluated: 2018-01-13. Review status: criteria provided, single submitter. Criteria: ICSL Variant Classification Criteria 13 December 2019. Collection method: clinical testing. Allele origin: germline.

Laboratory for Molecular Medicine, Mass General Brigham Personalized Medicine
Classification: Likely benign. Last evaluated: 2013-12-19. Review status: criteria provided, single submitter. Criteria: LMM Criteria. Collection method: clinical testing. Allele origin: germline. Observed: 1 variant allele.
Comment: Ser62Ser in Exon 3 of GPSM2: This variant is not expected to have clinical signi ficance because it does not alter an amino acid residue and is not located withi n the splice consensus sequence. It has been identified in 1/1324 European chrom osomes by the ClinSeq Project (dbSNP rs199575734).